The following is an entry in ClinVar:

NM_000278.5(PAX2):c.728G>A (p.Arg243Gln)

Gene: PAX2 (paired box 2; plus strand). Cytogenetic location: 10q24.31.
Variant type: single nucleotide variant.
Coding change: c.728G>A on transcript NM_000278.5 (MANE Select); coding-DNA position 728, G replaced by A.
Protein change: p.Arg243Gln; replaces arginine 243 with glutamine.
Molecular consequence: missense variant.
Genome position (GRCh38, 1-based): chr10:100,806,541, G>A. VCF-style: chr10-100806541-G-A. GRCh37 (hg19) VCF-style: chr10-102566298-G-A.
Other names: c.821G>A, p.Arg274Gln (NM_001304569.2); c.797G>A, p.Arg266Gln (NM_003987.5, NM_003990.5); c.728G>A, p.Arg243Gln (NM_003988.5, NM_003989.5); c.797G>A (NM_003990.4); short protein forms R243Q, R266Q, R274Q.
Identifiers: ClinVar variation 1634284 (VCV001634284.11), dbSNP rs147636578, ClinGen allele CA5650835.

ClinVar aggregate classification (germline): Likely benign. Review status: criteria provided, multiple submitters, no conflicts (2 of 4 stars). 3 submissions from 3 submitters: Likely benign (2). 1 of the submissions does not count toward it. Last evaluated 2026-01-12.

Conditions:
PAX2-Related Disorder. Also called: PAX2-related disorders. Identifiers: MedGen CN381309.
Focal segmental glomerulosclerosis 7 (FSGS7). Identifiers: Orphanet 656, MedGen C4014925, MONDO:0014451, OMIM 616002.
Renal coloboma syndrome (PAPRS). Also called: PAPILLORENAL SYNDROME; PAPILLORENAL SYNDROME WITH MILD OCULAR ABNORMALITIES; CONGENITAL ANOMALIES OF THE KIDNEY AND URINARY TRACT WITH OR WITHOUT OCULAR ABNORMALITIES; CAKUT WITH OR WITHOUT OCULAR ABNORMALITIES; COLOBOMA OF OPTIC NERVE WITH RENAL DISEASE; OPTIC COLOBOMA, VESICOURETERAL REFLUX, AND RENAL ANOMALIES. Identifiers: Orphanet 1475, MedGen C1852759, MONDO:0007352, OMIM 120330.

Allele frequency attached by ClinVar (database versions not stated): ESP Exome Variant Server 0.00015.
gnomAD v4.1: 679 of 1,614,078 alleles (0.042%); highest among the groups gnomAD compares: Non-Finnish European, 0.034%; no homozygotes.

Submissions (3):

Labcorp Genetics (formerly Invitae), Labcorp
Classification: Likely benign for Renal coloboma syndrome; Focal segmental glomerulosclerosis 7. Last evaluated: 2026-01-12. Review status: criteria provided, single submitter. Criteria: Invitae Variant Classification Sherloc (09022015). Collection method: clinical testing. Allele origin: germline.

Blueprint Genetics
Classification: Likely benign. Last evaluated: 2024-11-19. Review status: criteria provided, single submitter. Criteria: ACMG Guidelines, 2015. Collection method: clinical testing. Allele origin: germline.

PreventionGenetics, part of Exact Sciences
Classification: Likely benign for PAX2-related condition. Last evaluated: 2021-05-27. Review status: no assertion criteria provided. Collection method: clinical testing. Allele origin: germline. Not counted in ClinVar's aggregate classification.
Comment: This variant is classified as likely benign based on ACMG/AMP sequence variant interpretation guidelines (Richards et al. 2015 PMID: 25741868, with internal and published modifications).